The following is an entry in ClinVar:

NM_025179.4(PLXNA2):c.3632A>T (p.Lys1211Met)

Gene: PLXNA2 (plexin A2; minus strand). Cytogenetic location: 1q32.2.
Variant type: single nucleotide variant.
Coding change: c.3632A>T on transcript NM_025179.4 (MANE Select); coding-DNA position 3632, A replaced by T.
Protein change: p.Lys1211Met; replaces lysine 1211 with methionine.
Molecular consequence: missense variant.
Genome position (GRCh38, 1-based): chr1:208,045,074, T>A on the plus strand (A>T on the coding strand, the complement: PLXNA2 is on the minus strand). VCF-style: chr1-208045074-T-A. GRCh37 (hg19) VCF-style: chr1-208218419-T-A.
Other names: short protein forms K1211M.
Identifiers: ClinVar variation 4993199 (VCV004993199.1).
Genomic context (GRCh38, chr1:208,045,074, plus strand): 5'-ACACATGCACCACGAGGCGGGAAGGAGGCATTACAGACGCAGGGCTCACTCACCATGACC[T>A]TGTGCTGCCCGGTGAGGTTGGGAGGCTCGCAGAGAAGCTGGGTCTCAGATACGGTGACAG-3'
Protein context (NP_079455.3, residues 1201-1221): CEPPNLTGQH[Lys1211Met]VMVHVGGMVF

ClinVar aggregate classification (germline): Uncertain significance (1 of 4 stars; one submission).

Conditions:
PLXNA2-related disorder. Also called: PLXNA2-related condition.

Submission:

PreventionGenetics, part of Exact Sciences
Classification: Uncertain significance for PLXNA2-related condition. Last evaluated: 2025-10-09. Review status: criteria provided, single submitter. Criteria: ACMG Guidelines, 2015. Collection method: clinical testing. Allele origin: germline.
Comment: The PLXNA2 c.3632A>T variant is predicted to result in the amino acid substitution p.Lys1211Met. To our knowledge, this variant has not been reported in the literature or in a large population database (gnomAD), indicating this variant is rare. At this time, the clinical significance of this variant is uncertain due to the absence of conclusive functional and genetic evidence.